The following is an entry in ClinVar:

ClinVar aggregate classification (germline): Uncertain significance (1 of 4 stars; one submission).

Allele frequency attached by ClinVar (database versions not stated): TOPMed below 0.00001; ExAC 0.00001; gnomAD 0.00001.
gnomAD v4.1: 3 of 1,612,340 alleles (0.00019%); highest among the groups gnomAD compares: Non-Finnish European, 0.00025%; no homozygotes.

Submission:

Labcorp Genetics (formerly Invitae), Labcorp
Classification: Uncertain significance. Last evaluated: 2022-08-19. Review status: criteria provided, single submitter. Criteria: Invitae Variant Classification Sherloc (09022015). Collection method: clinical testing. Allele origin: germline.
Comment: This sequence change replaces alanine, which is neutral and non-polar, with valine, which is neutral and non-polar, at codon 1586 of the ADGRV1 protein (p.Ala1586Val). The frequency data for this variant in the population databases is considered unreliable, as metrics indicate poor data quality at this position in the gnomAD database. This variant has not been reported in the literature in individuals affected with ADGRV1-related conditions. Algorithms developed to predict the effect of missense changes on protein structure and function are either unavailable or do not agree on the potential impact of this missense change (SIFT: "Tolerated"; PolyPhen-2: "Probably Damaging"; Align-GVGD: "Class C0"). Algorithms developed to predict the effect of sequence changes on RNA splicing suggest that this variant may create or strengthen a splice site. In summary, the available evidence is currently insufficient to determine the role of this variant in disease. Therefore, it has been classified as a Variant of Uncertain Significance.

NM_032119.4(ADGRV1):c.4757C>T (p.Ala1586Val)

Gene: ADGRV1 (adhesion G protein-coupled receptor V1; plus strand). Cytogenetic location: 5q14.3.
Variant type: single nucleotide variant.
Coding change: c.4757C>T on transcript NM_032119.4 (MANE Select); coding-DNA position 4757, C replaced by T.
Protein change: p.Ala1586Val; replaces alanine 1586 with valine.
Molecular consequence: missense variant. On other transcripts: non-coding transcript variant (1).
Genome position (GRCh38, 1-based): chr5:90,672,550, C>T. VCF-style: chr5-90672550-C-T. GRCh37 (hg19) VCF-style: chr5-89968367-C-T.
Other names: short protein forms A1586V.
Identifiers: ClinVar variation 2115005 (VCV002115005.4), dbSNP rs745705735, ClinGen allele CA3339410.